The following is an entry in ClinVar:

NM_004408.4(DNM1):c.290T>C (p.Val97Ala)

Genes: DNM1 (dynamin 1; plus strand), LOC113839516 (Sharpr-MPRA regulatory region 8497; plus strand). Cytogenetic location: 9q34.11.
Variant type: single nucleotide variant.
Coding change: c.290T>C on transcript NM_004408.4 (MANE Select); coding-DNA position 290, T replaced by C.
Protein change: p.Val97Ala; replaces valine 97 with alanine.
Molecular consequence: missense variant.
Genome position (GRCh38, 1-based): chr9:128,218,636, T>C. VCF-style: chr9-128218636-T-C. GRCh37 (hg19) VCF-style: chr9-130980915-T-C.
Other names: c.290T>C, p.Val97Ala (NM_001005336.3, NM_001288737.2, NM_001288738.2 and 2 more transcripts); short protein forms V97A.
Identifiers: ClinVar variation 1307601 (VCV001307601.2), dbSNP rs1834755572, ClinGen allele CA375010621.

ClinVar aggregate classification (germline): Uncertain significance (1 of 4 stars; one submission).

Allele frequency attached by ClinVar (database versions not stated): gnomAD 0.00001; TOPMed below 0.00001.
gnomAD v4.1: 1 of 1,613,274 alleles (0.000062%); highest among the groups gnomAD compares: African/African-American, 0.0013%; no homozygotes.

Submission:

GeneDx
Classification: Uncertain significance. Last evaluated: 2019-08-08. Review status: criteria provided, single submitter. Criteria: GeneDx Variant Classification Process June 2021. Collection method: clinical testing. Allele origin: germline. Affected: yes.
Comment: Not observed in large population cohorts (Lek et al., 2016); In silico analysis, which includes protein predictors and evolutionary conservation, supports a deleterious effect; Has not been previously published as pathogenic or benign to our knowledge